The following is an entry in ClinVar:

NM_000518.5(HBB):c.315+5G>A

Genes: HBB (hemoglobin subunit beta; minus strand), LOC106099062 (HBB recombination region; plus strand), LOC107133510 (origin of replication at HBB; plus strand), LOC110006319 (beta-globin gene 3' regulatory region; plus strand). Cytogenetic location: 11p15.4.
Variant type: single nucleotide variant.
Coding change: c.315+5G>A on transcript NM_000518.5 (MANE Select); 5 bases into the intron after coding-DNA position 315, G replaced by A.
Molecular consequence: intron variant.
Genome position (GRCh38, 1-based): chr11:5,226,572, C>T on the plus strand (G>A on the coding strand, the complement: HBB is on the minus strand). VCF-style: chr11-5226572-C-T. GRCh37 (hg19) VCF-style: chr11-5247802-C-T.
Identifiers: ClinVar variation 2682632 (VCV002682632.2), dbSNP rs35099082, ClinGen allele CA217113379.

ClinVar aggregate classification (germline): Uncertain significance. Review status: criteria provided, multiple submitters, no conflicts (2 of 4 stars). 2 submissions from 2 submitters: Uncertain significance (2). Last evaluated 2024-10-22.

Allele frequency attached by ClinVar (database versions not stated): gnomAD exomes below 0.00001; gnomAD 0.00001; TOPMed 0.00001.
gnomAD v4.1: 7 of 1,613,238 alleles (0.00043%); highest among the groups gnomAD compares: Admixed American, 0.0017%; no homozygotes.

Submissions (2):

GeneDx
Classification: Uncertain significance. Last evaluated: 2024-10-22. Review status: criteria provided, single submitter. Criteria: GeneDx Variant Classification Process June 2021. Collection method: clinical testing. Allele origin: germline. Affected: yes.
Comment: Not observed at significant frequency in large population cohorts (gnomAD); In silico analysis indicates that this variant does not alter splicing; Has not been previously published as pathogenic or benign to our knowledge; This variant is associated with the following publications: (PMID: 10335984, 35615327)

Women's Health and Genetics/Laboratory Corporation of America, LabCorp
Classification: Uncertain significance. Last evaluated: 2023-11-20. Review status: criteria provided, single submitter. Criteria: LabCorp Variant Classification Summary - May 2015. Collection method: clinical testing. Allele origin: germline.
Comment: Variant summary: HBB c.315+5G>A alters a conserved nucleotide located close to a canonical splice site and therefore could affect mRNA splicing, leading to a significantly altered protein sequence. Several computational tools predict a significant impact on normal splicing: Four predict the variant weakens a 5' donor site. However, these predictions have yet to be confirmed by functional studies. The variant allele was found at a frequency of 4e-06 in 251164 control chromosomes. To our knowledge, no occurrence of c.315+5G>A in individuals affected with Hemoglobinopathy and no experimental evidence demonstrating its impact on protein function have been reported. No submitters have cited clinical-significance assessments for this variant to ClinVar after 2014. Based on the evidence outlined above, the variant was classified as VUS.